The following is an entry in ClinVar:

ClinVar aggregate classification (germline): Conflicting classifications of pathogenicity. Review status: criteria provided, conflicting classifications (1 of 4 stars). 4 submissions from 4 submitters: Uncertain significance (3); Likely benign (1). Last evaluated 2025-11-08.

Conditions:
Retinitis pigmentosa 80 (RP80). Identifiers: MedGen C4540439, MONDO:0054708, OMIM 617781.
Saldino-Mainzer syndrome (SRTD9). Also called: Renal dysplasia, retinal pigmentary dystrophy, cerebellar ataxia and skeletal dysplasia; CONORENAL SYNDROME; SHORT-RIB THORACIC DYSPLASIA 9 WITHOUT POLYDACTYLY; short-rib thoracic dysplasia 9 with or without polydactyly. Identifiers: Orphanet 140969, MedGen C1849437, MONDO:0009964, OMIM 266920.
Inborn genetic diseases. Identifiers: MedGen C0950123, MeSH D030342.

Allele frequency attached by ClinVar (database versions not stated): gnomAD 0.00006; TOPMed 0.00006; 1000 Genomes Project 0.00080; 1000 Genomes Project 30x 0.00094.

Submissions (4):

Labcorp Genetics (formerly Invitae), Labcorp
Classification: Likely benign for Saldino-Mainzer syndrome. Last evaluated: 2025-11-08. Review status: criteria provided, single submitter. Criteria: Invitae Variant Classification Sherloc (09022015). Collection method: clinical testing. Allele origin: germline.

GeneDx
Classification: Uncertain significance. Last evaluated: 2025-07-30. Review status: criteria provided, single submitter. Criteria: GeneDx Variant Classification Process June 2021. Collection method: clinical testing. Allele origin: germline. Affected: yes.
Comment: In silico analysis suggests that this missense variant does not alter protein structure/function; Has not been previously published as pathogenic or benign to our knowledge

Ambry Genetics
Classification: Uncertain significance for Inborn genetic diseases. Last evaluated: 2025-05-28. Review status: criteria provided, single submitter. Criteria: Ambry Variant Classification Scheme 2023. Collection method: clinical testing. Allele origin: germline.

Fulgent Genetics
Classification: Uncertain significance for Saldino-Mainzer syndrome; Retinitis pigmentosa 80. Last evaluated: 2022-01-11. Review status: criteria provided, single submitter. Criteria: ACMG Guidelines, 2015. Collection method: clinical testing. Allele origin: unknown.

NM_014714.4(IFT140):c.3598A>C (p.Met1200Leu)

Gene: IFT140 (intraflagellar transport 140; minus strand). Cytogenetic location: 16p13.3.
Variant type: single nucleotide variant.
Coding change: c.3598A>C on transcript NM_014714.4 (MANE Select); coding-DNA position 3598, A replaced by C.
Protein change: p.Met1200Leu; replaces methionine 1200 with leucine.
Molecular consequence: missense variant.
Genome position (GRCh38, 1-based): chr16:1,520,664, T>G on the plus strand (A>C on the coding strand, the complement: IFT140 is on the minus strand). VCF-style: chr16-1520664-T-G. GRCh37 (hg19) VCF-style: chr16-1570665-T-G.
Other names: c.3598A>C (NM_014714.3); short protein forms M1200L.
Identifiers: ClinVar variation 1525445 (VCV001525445.9), dbSNP rs566568065, ClinGen allele CA7813101.
Genomic context (GRCh38, chr16:1,520,664, plus strand): 5'-TCAGCTTGTTGCCGGCCTGCGTGTACTTCTTGGTGGCCAGGTGGTAGCTGCCCTGGCGCA[T>G]GCAGCAGTCTGCTATCTGCTCCAGCAGCTCCCGCCGCGACTCCTCAGGCAGGTCCGAGGA-3'
Protein context (NP_055529.2, residues 1190-1210): ELLEQIADCC[Met1200Leu]RQGSYHLATK